The following is an entry in ClinVar:

NM_032119.4(ADGRV1):c.6861del (p.Val2288fs)

Gene: ADGRV1 (adhesion G protein-coupled receptor V1; plus strand). Cytogenetic location: 5q14.3.
Variant type: Deletion.
Coding change: c.6861del on transcript NM_032119.4 (MANE Select); coding-DNA position 6861, one base deleted (T; older notation c.6861delT).
Protein change: p.Val2288fs; shifts the reading frame from valine 2288.
Molecular consequence: frameshift variant. On other transcripts: non-coding transcript variant (1).
Genome position (GRCh38, 1-based): chr5:90,690,951, T deleted; the last of 2 consecutive T bases (chr5:90,690,950-90,690,951); deleting either gives the same sequence. VCF-style (leftmost placement, unchanged base first): chr5-90690949-GT-G. GRCh37 (hg19) VCF-style: chr5-89986766-GT-G.
Other names: short protein forms V2288fs.
Identifiers: ClinVar variation 2863978 (VCV002863978.3), dbSNP rs2530906897, ClinGen allele CA2739274835.

ClinVar aggregate classification (germline): Pathogenic (1 of 4 stars; one submission).

Submission:

Labcorp Genetics (formerly Invitae), Labcorp
Classification: Pathogenic. Last evaluated: 2023-05-13. Review status: criteria provided, single submitter. Criteria: Invitae Variant Classification Sherloc (09022015). Collection method: clinical testing. Allele origin: germline.
Comment: This sequence change creates a premature translational stop signal (p.Val2288Serfs*5) in the ADGRV1 gene. It is expected to result in an absent or disrupted protein product. Loss-of-function variants in ADGRV1 are known to be pathogenic (PMID: 19357117, 22135276, 22147658, 26226137, 30718709, 31047384, 32467589). This variant is not present in population databases (gnomAD no frequency). This variant has not been reported in the literature in individuals affected with ADGRV1-related conditions. For these reasons, this variant has been classified as Pathogenic.

Literature cited by the submitters: PubMed 19357117; PubMed 22135276; PubMed 22147658; PubMed 26226137; PubMed 30718709; PubMed 31047384; PubMed 32467589.